The following is an entry in ClinVar:

ClinVar aggregate classification (germline): Uncertain significance (1 of 4 stars; one submission).

Conditions:
DOCK2 deficiency. Also called: Immunodeficiency 40. Identifiers: Orphanet 447737, MedGen C4225328, MONDO:0014637, OMIM 616433.

Allele frequency attached by ClinVar (database versions not stated): gnomAD exomes below 0.00001; TOPMed below 0.00001.

Submission:

Labcorp Genetics (formerly Invitae), Labcorp
Classification: Uncertain significance for DOCK2 deficiency. Last evaluated: 2022-07-12. Review status: criteria provided, single submitter. Criteria: Invitae Variant Classification Sherloc (09022015). Collection method: clinical testing. Allele origin: germline.
Comment: This variant is present in population databases (no rsID available, gnomAD 0.003%). In summary, the available evidence is currently insufficient to determine the role of this variant in disease. Therefore, it has been classified as a Variant of Uncertain Significance. Variants that disrupt the consensus splice site are a relatively common cause of aberrant splicing (PMID: 17576681, 9536098). Algorithms developed to predict the effect of sequence changes on RNA splicing suggest that this variant is not likely to affect RNA splicing. ClinVar contains an entry for this variant (Variation ID: 1489266). This variant has not been reported in the literature in individuals affected with DOCK2-related conditions. This sequence change falls in intron 21 of the DOCK2 gene. It does not directly change the encoded amino acid sequence of the DOCK2 protein. It affects a nucleotide within the consensus splice site.

Literature cited by the submitters: PubMed 17576681; PubMed 9536098.

NM_004946.3(DOCK2):c.2132+3A>G

Gene: DOCK2 (dedicator of cytokinesis 2; plus strand). Cytogenetic location: 5q35.1.
Variant type: single nucleotide variant.
Coding change: c.2132+3A>G on transcript NM_004946.3 (MANE Select); 3 bases into the intron after coding-DNA position 2132, A replaced by G.
Molecular consequence: intron variant.
Genome position (GRCh38, 1-based): chr5:169,717,487, A>G. VCF-style: chr5-169717487-A-G. GRCh37 (hg19) VCF-style: chr5-169144491-A-G.
Identifiers: ClinVar variation 1489266 (VCV001489266.6), dbSNP rs1197850157, ClinGen allele CA564621214.